The following is an entry in ClinVar:

NM_004006.3(DMD):c.2023T>G (p.Ser675Ala)

Gene: DMD (dystrophin; minus strand). Cytogenetic location: Xp21.1.
Variant type: single nucleotide variant.
Coding change: c.2023T>G on transcript NM_004006.3 (MANE Select); coding-DNA position 2023, T replaced by G.
Protein change: p.Ser675Ala; replaces serine 675 with alanine.
Molecular consequence: missense variant.
Genome position (GRCh38, 1-based): chrX:32,545,304, A>C on the plus strand (T>G on the coding strand, the complement: DMD is on the minus strand). VCF-style: chrX-32545304-A-C. GRCh37 (hg19) VCF-style: chrX-32563421-A-C.
Other names: c.1999T>G, p.Ser667Ala (NM_000109.4); c.2011T>G, p.Ser671Ala (NM_004009.3); c.1654T>G, p.Ser552Ala (NM_004010.3); short protein forms S552A, S667A, S671A, S675A.
Identifiers: ClinVar variation 4869846 (VCV004869846.1).

ClinVar aggregate classification (germline): Uncertain significance (1 of 4 stars; one submission).

Conditions:
Cardiovascular phenotype. Identifiers: MedGen CN230736.

gnomAD v4.1: 7 of 1,210,978 alleles (0.00058%); highest among the groups gnomAD compares: African/African-American, 0.0017%; no homozygotes.

Submission:

Ambry Genetics
Classification: Uncertain significance for Cardiovascular phenotype. Last evaluated: 2026-03-23. Review status: criteria provided, single submitter. Criteria: Ambry Variant Classification Scheme 2023. Collection method: clinical testing. Allele origin: germline.
Comment: The p.S675A variant (also known as c.2023T>G), located in coding exon 17 of the DMD gene, results from a T to G substitution at nucleotide position 2023. The serine at codon 675 is replaced by alanine, an amino acid with similar properties. This amino acid position is conserved. In addition, this alteration is predicted to be tolerated by in silico analysis. Based on the available evidence, the clinical significance of this variant remains unclear.